The following is an entry in ClinVar:

NM_000179.3(MSH6):c.4002-13_4002-10dup

Gene: MSH6 (mutS homolog 6; plus strand). Cytogenetic location: 2p16.3.
Variant type: Duplication.
Coding change: c.4002-13_4002-10dup on transcript NM_000179.3 (MANE Select); 13 bases into the intron before coding-DNA position 4002 through 10 bases into the intron before coding-DNA position 4002, 4 bases duplicated (TTTT; older notation c.4002-13_4002-10dupTTTT).
Molecular consequence: intron variant.
Genome position (GRCh38, 1-based): chr2:47,806,766-47,806,769, TTTT duplicated; duplicating any 4 consecutive bases within chr2:47,806,752-47,806,769 gives the same sequence; the c. name uses the placement nearest the transcript's 3' end. VCF-style (leftmost placement, unchanged base first): chr2-47806751-C-CTTTT. GRCh37 (hg19) VCF-style: chr2-48033890-C-CTTTT.
Other names: c.3096-13_3096-10dup (NM_001281493.2, NM_001281494.2); c.3612-13_3612-10dup (NM_001281492.2).
Identifiers: ClinVar variation 89512 (VCV000089512.4), dbSNP rs59056100, ClinGen allele CA330591.

ClinVar aggregate classification (germline): Benign. Review status: reviewed by expert panel (3 of 4 stars). 2 submissions from 2 submitters: Benign (1). 1 of the submissions does not count toward it. Last evaluated 2013-09-05.

Conditions:
Lynch syndrome. Identifiers: Orphanet 144, MedGen C4552100, MONDO:0005835. Disease mechanism: loss of function.

Submissions (2):

International Society for Gastrointestinal Hereditary Tumours (InSiGHT)
Classification: Benign for Lynch Syndrome. Last evaluated: 2013-09-05. Review status: reviewed by expert panel. Criteria: Guidelines v1.9. Collection method: research. Allele origin: germline.
Comment: MAF >1%

Classified with v1.9 guidelines
ClinVar note: Converted during submission from no known pathogenicity to Benign.

Quest Diagnostics Nichols Institute San Juan Capistrano
Classification: Benign. Last evaluated: 2023-08-11. Review status: criteria provided, single submitter. Criteria: Quest Diagnostics criteria. Collection method: clinical testing. Allele origin: unknown. Not counted in ClinVar's aggregate classification.